The following is an entry in ClinVar:

ClinVar aggregate classification (germline): Uncertain significance (1 of 4 stars; one submission).

Submission:

GeneDx
Classification: Uncertain significance. Last evaluated: 2020-01-03. Review status: criteria provided, single submitter. Criteria: GeneDx Variant Classification Process June 2021. Collection method: clinical testing. Allele origin: germline. Affected: yes.
Comment: Not observed in large population cohorts (Lek et al., 2016); In silico analysis, which includes protein predictors and evolutionary conservation, supports a deleterious effect; Has not been previously published as pathogenic or benign to our knowledge

NM_006445.4(PRPF8):c.550G>C (p.Asp184His)

Gene: PRPF8 (pre-mRNA processing factor 8; minus strand). Cytogenetic location: 17p13.3.
Variant type: single nucleotide variant.
Coding change: c.550G>C on transcript NM_006445.4 (MANE Select); coding-DNA position 550, G replaced by C.
Protein change: p.Asp184His; replaces aspartic acid 184 with histidine.
Molecular consequence: missense variant.
Genome position (GRCh38, 1-based): chr17:1,681,923, C>G on the plus strand (G>C on the coding strand, the complement: PRPF8 is on the minus strand). VCF-style: chr17-1681923-C-G. GRCh37 (hg19) VCF-style: chr17-1585217-C-G.
Other names: short protein forms D184H.
Identifiers: ClinVar variation 1304145 (VCV001304145.2), dbSNP rs2151131953, ClinGen allele CA397568801.